The following is an entry in ClinVar:

ClinVar aggregate classification (germline): Likely benign. Review status: criteria provided, multiple submitters, no conflicts (2 of 4 stars). 2 submissions from 2 submitters: Likely benign (2). Last evaluated 2025-08-03.

Allele frequency attached by ClinVar (database versions not stated): ExAC 0.00003; TOPMed 0.00006; gnomAD 0.00011; 1000 Genomes Project 30x 0.00031.
gnomAD v4.1: 76 of 1,587,960 alleles (0.0048%); highest among the groups gnomAD compares: Admixed American, 0.016%; no homozygotes.

Submissions (2):

Labcorp Genetics (formerly Invitae), Labcorp
Classification: Likely benign. Last evaluated: 2025-08-03. Review status: criteria provided, single submitter. Criteria: Invitae Variant Classification Sherloc (09022015). Collection method: clinical testing. Allele origin: germline.

CeGaT Center for Human Genetics Tuebingen
Classification: Likely benign. Last evaluated: 2024-07-01. Review status: criteria provided, single submitter. Criteria: CeGaT Center For Human Genetics Tuebingen Variant Classification Criteria Version 2. Collection method: clinical testing. Allele origin: germline. Affected: yes. Observed: 1 variant allele.
Comment: MTMR14: BP4, BP7

NM_001077525.3(MTMR14):c.1200T>C (p.Ile400=)

Gene: MTMR14 (myotubularin related protein 14; plus strand). Cytogenetic location: 3p25.3.
Variant type: single nucleotide variant.
Coding change: c.1200T>C on transcript NM_001077525.3 (MANE Select); coding-DNA position 1200, T replaced by C.
Protein change: p.Ile400=; no amino-acid change (isoleucine 400 retained).
Molecular consequence: synonymous variant. On other transcripts: non-coding transcript variant (9).
Genome position (GRCh38, 1-based): chr3:9,687,856, T>C. VCF-style: chr3-9687856-T-C. GRCh37 (hg19) VCF-style: chr3-9729540-T-C.
Other names: c.1200T>C, p.Ile400= (NM_001077526.3, NM_022485.5); c.1269T>C, p.Ile423= (NM_001400518.1, NM_001400521.1); c.1197T>C, p.Ile399= (NM_001400519.1, NM_001400522.1); c.1125T>C, p.Ile375= (NM_001400520.1, NM_001400523.1, NM_001400528.1); c.954T>C, p.Ile318= (NM_001400524.1, NM_001400527.1, NM_001400530.1); c.918T>C, p.Ile306= (NM_001400525.1, NM_001400529.1, NM_001400532.1); c.1194T>C, p.Ile398= (NM_001400526.1); c.951T>C, p.Ile317= (NM_001400531.1); and 5 more.
Identifiers: ClinVar variation 2869800 (VCV002869800.20), dbSNP rs768166936, ClinGen allele CA2240666.